The following is an entry in ClinVar:

NM_004733.4(SLC33A1):c.797C>G (p.Thr266Ser)

Gene: SLC33A1 (solute carrier family 33 member 1; minus strand). Cytogenetic location: 3q25.31.
Variant type: single nucleotide variant.
Coding change: c.797C>G on transcript NM_004733.4 (MANE Select); coding-DNA position 797, C replaced by G.
Protein change: p.Thr266Ser; replaces threonine 266 with serine.
Molecular consequence: missense variant. On other transcripts: intron variant (1).
Genome position (GRCh38, 1-based): chr3:155,842,598, G>C on the plus strand (C>G on the coding strand, the complement: SLC33A1 is on the minus strand). VCF-style: chr3-155842598-G-C. GRCh37 (hg19) VCF-style: chr3-155560387-G-C.
Other names: c.797C>G, p.Thr266Ser (NM_001190992.2); c.776-8557C>G (NM_001363883.1); short protein forms T266S.
Identifiers: ClinVar variation 1364117 (VCV001364117.6), dbSNP rs374979946, ClinGen allele CA2677369.

ClinVar aggregate classification (germline): Uncertain significance (1 of 4 stars; one submission).

Conditions:
Spastic paraplegia. Identifiers: MedGen C0037772, HP:0001258.

Allele frequency attached by ClinVar (database versions not stated): gnomAD 0.00001.
gnomAD v4.1: 3 of 1,561,106 alleles (0.00019%); highest among the groups gnomAD compares: Admixed American, 0.0038%; no homozygotes.

Submission:

Labcorp Genetics (formerly Invitae), Labcorp
Classification: Uncertain significance for Spastic paraplegia. Last evaluated: 2022-10-17. Review status: criteria provided, single submitter. Criteria: Invitae Variant Classification Sherloc (09022015). Collection method: clinical testing. Allele origin: germline.
Comment: In summary, the available evidence is currently insufficient to determine the role of this variant in disease. Therefore, it has been classified as a Variant of Uncertain Significance. Advanced modeling of protein sequence and biophysical properties (such as structural, functional, and spatial information, amino acid conservation, physicochemical variation, residue mobility, and thermodynamic stability) performed at Invitae indicates that this missense variant is not expected to disrupt SLC33A1 protein function. ClinVar contains an entry for this variant (Variation ID: 1364117). This sequence change replaces threonine, which is neutral and polar, with serine, which is neutral and polar, at codon 266 of the SLC33A1 protein (p.Thr266Ser). This variant is present in population databases (rs374979946, gnomAD 0.007%). This variant has not been reported in the literature in individuals affected with SLC33A1-related conditions.